The following is an entry in ClinVar:

ClinVar aggregate classification (germline): Uncertain significance (1 of 4 stars; one submission).

Conditions:
Autoinflammatory disease, systemic, with vasculitis (SAIDV). Also called: LAVLI SYNDROME. Identifiers: MedGen C5830525, MONDO:0957271, OMIM 620376.

Submission:

Dasa
Classification: Uncertain significance for Autoinflammatory disease, systemic, with vasculitis. Last evaluated: 2025-01-02. Review status: criteria provided, single submitter. Criteria: DASA Assertion Criteria. Collection method: clinical testing. Allele origin: germline.
Comment: NM_002350.4(LYN):c.929C>G (p.Thr310Ser) is a missense variant that results in the substitution of threonine with serine. This variant is absent from population databases. The currently available literature and clinical evidence are not sufficient to establish a definitive association between this variant and the reported condition. Therefore, this variant is classified as a variant of uncertain significance.

NM_002350.4(LYN):c.929C>G (p.Thr310Ser)

Gene: LYN (LYN proto-oncogene, Src family tyrosine kinase; plus strand). Cytogenetic location: 8q12.1.
Variant type: single nucleotide variant.
Coding change: c.929C>G on transcript NM_002350.4 (MANE Select); coding-DNA position 929, C replaced by G.
Protein change: p.Thr310Ser; replaces threonine 310 with serine.
Molecular consequence: missense variant.
Genome position (GRCh38, 1-based): chr8:55,966,853, C>G. VCF-style: chr8-55966853-C-G. GRCh37 (hg19) VCF-style: chr8-56879412-C-G.
Other names: c.866C>G, p.Thr289Ser (NM_001111097.3); short protein forms T289S, T310S.
Identifiers: ClinVar variation 4881390 (VCV004881390.2).